The following is an entry in ClinVar:

NM_000541.5(SAG):c.871A>G (p.Asn291Asp)

Gene: SAG (S-antigen visual arrestin; plus strand). Cytogenetic location: 2q37.1.
Variant type: single nucleotide variant.
Coding change: c.871A>G on transcript NM_000541.5 (MANE Select); coding-DNA position 871, A replaced by G.
Protein change: p.Asn291Asp; replaces asparagine 291 with aspartic acid.
Molecular consequence: missense variant.
Genome position (GRCh38, 1-based): chr2:233,335,026, A>G. VCF-style: chr2-233335026-A-G. GRCh37 (hg19) VCF-style: chr2-234243672-A-G.
Other names: short protein forms N291D.
Identifiers: ClinVar variation 1058935 (VCV001058935.9), dbSNP rs2125344064, ClinGen allele CA351048427.

ClinVar aggregate classification (germline): Uncertain significance (1 of 4 stars; one submission).

Allele frequency attached by ClinVar (database versions not stated): gnomAD exomes below 0.00001.
gnomAD v4.1: 3 of 1,614,004 alleles (0.00019%); highest among the groups gnomAD compares: Non-Finnish European, 0.00017%; no homozygotes.

Submission:

Labcorp Genetics (formerly Invitae), Labcorp
Classification: Uncertain significance. Last evaluated: 2023-11-13. Review status: criteria provided, single submitter. Criteria: Invitae Variant Classification Sherloc (09022015). Collection method: clinical testing. Allele origin: germline.
Comment: This sequence change replaces asparagine, which is neutral and polar, with aspartic acid, which is acidic and polar, at codon 291 of the SAG protein (p.Asn291Asp). This variant is not present in population databases (gnomAD no frequency). This variant has not been reported in the literature in individuals affected with SAG-related conditions. ClinVar contains an entry for this variant (Variation ID: 1058935). Advanced modeling of protein sequence and biophysical properties (such as structural, functional, and spatial information, amino acid conservation, physicochemical variation, residue mobility, and thermodynamic stability) performed at Invitae indicates that this missense variant is expected to disrupt SAG protein function with a positive predictive value of 80%. In summary, the available evidence is currently insufficient to determine the role of this variant in disease. Therefore, it has been classified as a Variant of Uncertain Significance.